The following is an entry in ClinVar:

NM_001378615.1(CC2D2A):c.1260T>G (p.Cys420Trp)

Genes: CC2D2A (coiled-coil and C2 domain containing 2A; plus strand), FBXL5 (F-box and leucine rich repeat protein 5; minus strand). Cytogenetic location: 4p15.32.
Variant type: single nucleotide variant.
Coding change: c.1260T>G on transcript NM_001378615.1 (MANE Select); coding-DNA position 1260, T replaced by G.
Protein change: p.Cys420Trp; replaces cysteine 420 with tryptophan.
Molecular consequence: missense variant.
Genome position (GRCh38, 1-based): chr4:15,527,557, T>G. VCF-style: chr4-15527557-T-G. GRCh37 (hg19) VCF-style: chr4-15529180-T-G.
Other names: c.1260T>G, p.Cys420Trp (NM_001080522.2); c.1113T>G, p.Cys371Trp (NM_001378617.1); short protein forms C420W, C371W.
Identifiers: ClinVar variation 569391 (VCV000569391.7), dbSNP rs751436798, ClinGen allele CA356410348.

ClinVar aggregate classification (germline): Uncertain significance (1 of 4 stars; one submission).

Conditions:
Meckel-Gruber syndrome. Also called: Dysencephalia splachnocystica; DYSENCEPHALIA SPLANCHNOCYSTICA; GRUBER SYNDROME. Identifiers: Orphanet 564, MedGen C0265215, MONDO:0018921.
Joubert syndrome. Also called: Familial aplasia of the vermis; JOUBERT-BOLTSHAUSER SYNDROME. Identifiers: Orphanet 475, MedGen C5979921, MONDO:0018772.

gnomAD v4.1: 1 of 1,613,548 alleles (0.000062%); highest among the groups gnomAD compares: East Asian, 0.0022%; no homozygotes.

Submission:

Labcorp Genetics (formerly Invitae), Labcorp
Classification: Uncertain significance for Joubert syndrome; Meckel-Gruber syndrome. Last evaluated: 2018-03-02. Review status: criteria provided, single submitter. Criteria: Invitae Variant Classification Sherloc (09022015). Collection method: clinical testing. Allele origin: germline.
Comment: This sequence change replaces cysteine with tryptophan at codon 420 of the CC2D2A protein (p.Cys420Trp). The cysteine residue is moderately conserved and there is a large physicochemical difference between cysteine and tryptophan. This variant is not present in population databases (ExAC no frequency). This variant has not been reported in the literature in individuals with CC2D2A-related disease. Algorithms developed to predict the effect of missense changes on protein structure and function do not agree on the potential impact of this missense change (SIFT: "Deleterious"; PolyPhen-2: "Probably Damaging"; Align-GVGD: "Class C0"). In summary, the available evidence is currently insufficient to determine the role of this variant in disease. Therefore, it has been classified as a Variant of Uncertain Significance.